The following is an entry in ClinVar:

ClinVar aggregate classification (germline): Pathogenic (1 of 4 stars; one submission).

Submission:

Labcorp Genetics (formerly Invitae), Labcorp
Classification: Pathogenic. Last evaluated: 2025-12-29. Review status: criteria provided, single submitter. Criteria: Invitae Variant Classification Sherloc (09022015). Collection method: clinical testing. Allele origin: germline.
Comment: This sequence change creates a premature translational stop signal (p.Val1577Cysfs*20) in the ABCA4 gene. It is expected to result in an absent or disrupted protein product. Loss-of-function variants in ABCA4 are known to be pathogenic (PMID: 10958761, 24938718, 25312043, 26780318). This variant is not present in population databases (gnomAD no frequency). This variant has not been reported in the literature in individuals affected with ABCA4-related conditions. For these reasons, this variant has been classified as Pathogenic.

Literature cited by the submitters: PubMed 10958761; PubMed 24938718; PubMed 25312043; PubMed 26780318.

NM_000350.3(ABCA4):c.4728dup (p.Val1577fs)

Genes: ABCA4 (ATP binding cassette subfamily A member 4; minus strand), LOC126805793 (CDK7 strongly-dependent group 2 enhancer GRCh37_chr1:94486302-94487501; plus strand). Cytogenetic location: 1p22.1.
Variant type: Duplication.
Coding change: c.4728dup on transcript NM_000350.3 (MANE Select); coding-DNA position 4728, one base duplicated (T; older notation c.4728dupT).
Protein change: p.Val1577fs; shifts the reading frame from valine 1577.
Molecular consequence: frameshift variant.
Genome position (GRCh38, 1-based): chr1:94,021,891, A duplicated on the plus strand (T on the coding strand, the reverse complement: ABCA4 is on the minus strand); the first of 2 consecutive A bases (chr1:94,021,891-94,021,892); duplicating either gives the same sequence. VCF-style (leftmost placement, unchanged base first): chr1-94021890-C-CA. GRCh37 (hg19) VCF-style: chr1-94487446-C-CA.
Other names: c.4506dup, p.Val1503fs (NM_001425324.1); short protein forms V1503fs, V1577fs.
Identifiers: ClinVar variation 4734317 (VCV004734317.1).